The following is an entry in ClinVar:

ClinVar aggregate classification (germline): Uncertain significance (1 of 4 stars; one submission).

gnomAD v4.1: 1 of 1,613,868 alleles (0.000062%); highest among the groups gnomAD compares: Non-Finnish European, 0.000085%; no homozygotes.

Submission:

Labcorp Genetics (formerly Invitae), Labcorp
Classification: Uncertain significance. Last evaluated: 2024-10-17. Review status: criteria provided, single submitter. Criteria: Invitae Variant Classification Sherloc (09022015). Collection method: clinical testing. Allele origin: germline.
Comment: This sequence change replaces alanine, which is neutral and non-polar, with valine, which is neutral and non-polar, at codon 60 of the POLD2 protein (p.Ala60Val). This variant is not present in population databases (gnomAD no frequency). This variant has not been reported in the literature in individuals affected with POLD2-related conditions. ClinVar contains an entry for this variant (Variation ID: 2121894). Experimental studies and prediction algorithms are not available or were not evaluated, and the functional significance of this variant is currently unknown. In summary, the available evidence is currently insufficient to determine the role of this variant in disease. Therefore, it has been classified as a Variant of Uncertain Significance.

NM_006230.4(POLD2):c.74C>T (p.Ala25Val)

Gene: POLD2 (DNA polymerase delta 2, accessory subunit; minus strand). Cytogenetic location: 7p13.
Variant type: single nucleotide variant.
Coding change: c.74C>T on transcript NM_006230.4 (MANE Select); coding-DNA position 74, C replaced by T.
Protein change: p.Ala25Val; replaces alanine 25 with valine.
Molecular consequence: missense variant.
Genome position (GRCh38, 1-based): chr7:44,121,980, G>A on the plus strand (C>T on the coding strand, the complement: POLD2 is on the minus strand). VCF-style: chr7-44121980-G-A. GRCh37 (hg19) VCF-style: chr7-44161579-G-A.
Other names: c.74C>T, p.Ala25Val (NM_001127218.3, NM_001256879.2); short protein forms A25V.
Identifiers: ClinVar variation 2121894 (VCV002121894.4), dbSNP rs745308658, ClinGen allele CA367387813.